The following is an entry in ClinVar:

NM_004239.4(TRIP11):c.5889G>A (p.Ala1963=)

Gene: TRIP11 (thyroid hormone receptor interactor 11; minus strand). Cytogenetic location: 14q32.12.
Variant type: single nucleotide variant.
Coding change: c.5889G>A on transcript NM_004239.4 (MANE Select); coding-DNA position 5889, G replaced by A.
Protein change: p.Ala1963=; no amino-acid change (alanine 1963 retained).
Molecular consequence: synonymous variant.
Genome position (GRCh38, 1-based): chr14:91,969,724, C>T on the plus strand (G>A on the coding strand, the complement: TRIP11 is on the minus strand). VCF-style: chr14-91969724-C-T. GRCh37 (hg19) VCF-style: chr14-92436068-C-T.
Other names: c.5886G>A, p.Ala1962= (NM_001321851.1).
Identifiers: ClinVar variation 721660 (VCV000721660.18), dbSNP rs142075650, ClinGen allele CA7313032.
Genomic context (GRCh38, chr14:91,969,724, plus strand): 5'-GAGAATCATCTATTGCTTTAAAAGGTCTTTCAGCACAACCCCAGCACTGTTGTCAGGTAA[C>T]GCTGGCAAAGGTGTAAATGTGGGCAAAACATCTGAGATGGGTTTCAGAAGAAGATGCCCG-3'
Protein context (NP_004230.2, residues 1953-1973): DVLPTFTPLP[Ala1963=]LPDNSAGVVL

ClinVar aggregate classification (germline): Conflicting classifications of pathogenicity. Review status: criteria provided, conflicting classifications (1 of 4 stars). 5 submissions from 5 submitters: Uncertain significance (1); Likely benign (3). 1 of the submissions does not count toward it. Last evaluated 2026-01-19.

Conditions:
TRIP11-related disorder. Also called: TRIP11-Related Disorders; TRIP11-related condition.
Achondrogenesis, type IA (ACG1A). Identifiers: Orphanet 932, Orphanet 93299, MedGen C0265273, MONDO:0008701, OMIM 200600.

Allele frequency attached by ClinVar (database versions not stated): gnomAD exomes 0.00005 and 0.00021; ESP Exome Variant Server 0.00015; ExAC 0.00017; gnomAD 0.00024; TOPMed 0.00032; 1000 Genomes Project 30x 0.00094; 1000 Genomes Project 0.00100.
gnomAD v4.1: 203 of 1,613,182 alleles (0.013%); highest among the groups gnomAD compares: Middle Eastern, 0.094%; 4 homozygotes.

Submissions (5):

Labcorp Genetics (formerly Invitae), Labcorp
Classification: Likely benign for Achondrogenesis, type IA. Last evaluated: 2026-01-19. Review status: criteria provided, single submitter. Criteria: Invitae Variant Classification Sherloc (09022015). Collection method: clinical testing. Allele origin: germline.

Blueprint Genetics
Classification: Likely benign. Last evaluated: 2024-11-27. Review status: criteria provided, single submitter. Criteria: ACMG Guidelines, 2015. Collection method: clinical testing. Allele origin: germline.

GeneDx
Classification: Likely benign. Last evaluated: 2019-08-01. Review status: criteria provided, single submitter. Criteria: GeneDx Variant Classification Process June 2021. Collection method: clinical testing. Allele origin: germline. Affected: yes.

Illumina Laboratory Services, Illumina
Classification: Uncertain significance for Achondrogenesis, type IA. Last evaluated: 2018-01-12. Review status: criteria provided, single submitter. Criteria: ICSL Variant Classification Criteria 13 December 2019. Collection method: clinical testing. Allele origin: germline.

PreventionGenetics, part of Exact Sciences
Classification: Likely benign for TRIP11-related condition. Last evaluated: 2024-01-11. Review status: no assertion criteria provided. Collection method: clinical testing. Allele origin: germline. Not counted in ClinVar's aggregate classification.
Comment: This variant is classified as likely benign based on ACMG/AMP sequence variant interpretation guidelines (Richards et al. 2015 PMID: 25741868, with internal and published modifications).